The following is an entry in ClinVar:

NM_001958.5(EEF1A2):c.621+159C>T

Gene: EEF1A2 (eukaryotic translation elongation factor 1 alpha 2; minus strand). Cytogenetic location: 20q13.33.
Variant type: single nucleotide variant.
Coding change: c.621+159C>T on transcript NM_001958.5 (MANE Select); 159 bases into the intron after coding-DNA position 621, C replaced by T.
Molecular consequence: intron variant.
Genome position (GRCh38, 1-based): chr20:63,494,646, G>A on the plus strand (C>T on the coding strand, the complement: EEF1A2 is on the minus strand). VCF-style: chr20-63494646-G-A. GRCh37 (hg19) VCF-style: chr20-62125999-G-A.
Identifiers: ClinVar variation 677337 (VCV000677337.1), dbSNP rs113545140, ClinGen allele CA317441386.

ClinVar aggregate classification (germline): Benign (1 of 4 stars; one submission).

Allele frequency attached by ClinVar (database versions not stated): 1000 Genomes Project 0.04692; 1000 Genomes Project 30x 0.04794; gnomAD 0.05124 and 0.05373; TOPMed 0.05548.

Submission:

GeneDx
Classification: Benign. Last evaluated: 2018-06-19. Review status: criteria provided, single submitter. Criteria: GeneDx Variant Classification (06012015). Collection method: clinical testing. Allele origin: germline. Affected: yes.
Comment: This variant is considered likely benign or benign based on one or more of the following criteria: it is a conservative change, it occurs at a poorly conserved position in the protein, it is predicted to be benign by multiple in silico algorithms, and/or has population frequency not consistent with disease.